The following is an entry in ClinVar:

ClinVar aggregate classification (germline): Uncertain significance. Review status: criteria provided, multiple submitters, no conflicts (2 of 4 stars). 2 submissions from 2 submitters: Uncertain significance (2). Last evaluated 2024-02-07.

Conditions:
Hereditary cancer-predisposing syndrome. Also called: Hereditary Cancer Syndrome; Neoplastic Syndromes, Hereditary; Tumor predisposition; Hereditary neoplastic syndrome. Identifiers: Orphanet 140162, MedGen C0027672, MeSH D009386, MONDO:0015356.

Allele frequency attached by ClinVar (database versions not stated): TOPMed below 0.00001.

Submissions (2):

Ambry Genetics
Classification: Uncertain significance for Hereditary cancer-predisposing syndrome. Last evaluated: 2024-02-07. Review status: criteria provided, single submitter. Criteria: Ambry Variant Classification Scheme 2023. Collection method: clinical testing. Allele origin: germline.
Comment: The p.K71N variant (also known as c.213A>C), located in coding exon 2 of the SMARCB1 gene, results from an A to C substitution at nucleotide position 213. The lysine at codon 71 is replaced by asparagine, an amino acid with similar properties. This amino acid position is highly conserved in available vertebrate species. In addition, this alteration is predicted to be tolerated by in silico analysis. Based on the available evidence, the clinical significance of this alteration remains unclear.

Labcorp Genetics (formerly Invitae), Labcorp
Classification: Uncertain significance. Last evaluated: 2023-06-27. Review status: criteria provided, single submitter. Criteria: Invitae Variant Classification Sherloc (09022015). Collection method: clinical testing. Allele origin: germline.
Comment: In summary, the available evidence is currently insufficient to determine the role of this variant in disease. Therefore, it has been classified as a Variant of Uncertain Significance. An algorithm developed to predict the effect of missense changes on protein structure and function (PolyPhen-2) suggests that this variant is likely to be tolerated. This variant has not been reported in the literature in individuals affected with SMARCB1-related conditions. This variant is not present in population databases (gnomAD no frequency). This sequence change replaces lysine, which is basic and polar, with asparagine, which is neutral and polar, at codon 71 of the SMARCB1 protein (p.Lys71Asn).

NM_003073.5(SMARCB1):c.213A>C (p.Lys71Asn)

Gene: SMARCB1 (SWI/SNF related BAF chromatin remodeling complex subunit B1; plus strand). Cytogenetic location: 22q11.23.
Variant type: single nucleotide variant.
Coding change: c.213A>C on transcript NM_003073.5 (MANE Select); coding-DNA position 213, A replaced by C.
Protein change: p.Lys71Asn; replaces lysine 71 with asparagine.
Molecular consequence: missense variant. On other transcripts: intron variant (2).
Genome position (GRCh38, 1-based): chr22:23,791,875, A>C. VCF-style: chr22-23791875-A-C. GRCh37 (hg19) VCF-style: chr22-24134062-A-C.
Other names: c.213A>C, p.Lys71Asn (NM_001362877.2); c.205+8A>C (NM_001317946.2, NM_001007468.3); short protein forms K71N.
Identifiers: ClinVar variation 2746672 (VCV002746672.4), dbSNP rs1928404478, ClinGen allele CA410933148.